The following is an entry in ClinVar:

NM_000392.5(ABCC2):c.34-8G>C

Genes: ABCC2 (ATP binding cassette subfamily C member 2; plus strand), LOC108281165 (MED14-independent group 3 enhancer GRCh37_chr10:101544125-101545324; plus strand). Cytogenetic location: 10q24.2.
Variant type: single nucleotide variant.
Coding change: c.34-8G>C on transcript NM_000392.5 (MANE Select); 8 bases into the intron before coding-DNA position 34, G replaced by C.
Molecular consequence: intron variant.
Genome position (GRCh38, 1-based): chr10:99,784,600, G>C. VCF-style: chr10-99784600-G-C. GRCh37 (hg19) VCF-style: chr10-101544357-G-C.
Identifiers: ClinVar variation 3355553 (VCV003355553.1).
Genomic context (GRCh38, chr10:99,784,600, plus strand): 5'-TGTGCTGCAGGGTGGTTTTCTGTCTTCACAATGCATGTATGCAACAATCCTTCCCCTTTG[G>C]TCTCCAGAATTCCTCATTCCTGGACAGTCCGGAGGCAGACCTGCCACTTTGTTTTGAGCA-3'

ClinVar aggregate classification (germline): Likely benign (0 of 4 stars; one submission).

Conditions:
ABCC2-related disorder. Also called: ABCC2-related condition.

gnomAD v4.1: 2 of 1,613,734 alleles (0.00012%); highest among the groups gnomAD compares: African/African-American, 0.0013%; no homozygotes.

Submission:

PreventionGenetics, part of Exact Sciences
Classification: Likely benign for ABCC2-related condition. Last evaluated: 2024-05-29. Review status: no assertion criteria provided. Collection method: clinical testing. Allele origin: germline.
Comment: This variant is classified as likely benign based on ACMG/AMP sequence variant interpretation guidelines (Richards et al. 2015 PMID: 25741868, with internal and published modifications).